The following is an entry in ClinVar:

NM_006648.4(WNK2):c.3088C>T (p.Pro1030Ser)

Gene: WNK2 (WNK lysine deficient protein kinase 2; plus strand). Cytogenetic location: 9q22.31.
Variant type: single nucleotide variant.
Coding change: c.3088C>T on transcript NM_006648.4 (MANE Select); coding-DNA position 3088, C replaced by T.
Protein change: p.Pro1030Ser; replaces proline 1030 with serine.
Molecular consequence: missense variant.
Genome position (GRCh38, 1-based): chr9:93,261,835, C>T. VCF-style: chr9-93261835-C-T. GRCh37 (hg19) VCF-style: chr9-96024117-C-T.
Other names: c.3088C>T, p.Pro1030Ser (NM_001282394.3); short protein forms P1030S.
Identifiers: ClinVar variation 4605404 (VCV004605404.1).

ClinVar aggregate classification (germline): Uncertain significance (1 of 4 stars; one submission).

Submission:

Ambry Genetics
Classification: Uncertain significance. Last evaluated: 2025-11-29. Review status: criteria provided, single submitter. Criteria: Ambry Variant Classification Scheme 2023. Collection method: clinical testing. Allele origin: germline.
Comment: The p.P1030S variant (also known as c.3088C>T), located in coding exon 12 of the WNK2 gene, results from a C to T substitution at nucleotide position 3088. The proline at codon 1030 is replaced by serine, an amino acid with similar properties. This amino acid position is conserved. In addition, this alteration is predicted to be tolerated by in silico analysis. Based on the available evidence, the clinical significance of this variant remains unclear.